The following is an entry in ClinVar:

NM_024577.4(SH3TC2):c.56A>G (p.Lys19Arg)

Gene: SH3TC2 (SH3 domain and tetratricopeptide repeats 2; minus strand). Cytogenetic location: 5q32.
Variant type: single nucleotide variant.
Coding change: c.56A>G on transcript NM_024577.4 (MANE Select); coding-DNA position 56, A replaced by G.
Protein change: p.Lys19Arg; replaces lysine 19 with arginine.
Molecular consequence: missense variant.
Genome position (GRCh38, 1-based): chr5:149,052,237, T>C on the plus strand (A>G on the coding strand, the complement: SH3TC2 is on the minus strand). VCF-style: chr5-149052237-T-C. GRCh37 (hg19) VCF-style: chr5-148431800-T-C.
Other names: short protein forms K19R.
Identifiers: ClinVar variation 1008323 (VCV001008323.7), dbSNP rs778863028, ClinGen allele CA3499638.

ClinVar aggregate classification (germline): Uncertain significance. Review status: criteria provided, multiple submitters, no conflicts (2 of 4 stars). 2 submissions from 2 submitters: Uncertain significance (2). Last evaluated 2024-10-15.

Conditions:
Charcot-Marie-Tooth disease type 4. Also called: Charcot-Marie-Tooth disease, type IV; Charcot-Marie-Tooth, Type 4. Identifiers: Orphanet 64749, MedGen C4082197, MONDO:0018995.

Allele frequency attached by ClinVar (database versions not stated): gnomAD 0.00001; gnomAD exomes 0.00001 and 0.00002; ExAC 0.00002; TOPMed 0.00002.
gnomAD v4.1: 12 of 1,604,534 alleles (0.00075%); highest among the groups gnomAD compares: Admixed American, 0.013%; no homozygotes.

Submissions (2):

Labcorp Genetics (formerly Invitae), Labcorp
Classification: Uncertain significance for Charcot-Marie-Tooth disease type 4. Last evaluated: 2024-10-15. Review status: criteria provided, single submitter. Criteria: Invitae Variant Classification Sherloc (09022015). Collection method: clinical testing. Allele origin: germline.
Comment: This sequence change replaces lysine, which is basic and polar, with arginine, which is basic and polar, at codon 19 of the SH3TC2 protein (p.Lys19Arg). This variant is present in population databases (rs778863028, gnomAD 0.02%). This variant has not been reported in the literature in individuals affected with SH3TC2-related conditions. ClinVar contains an entry for this variant (Variation ID: 1008323). Invitae Evidence Modeling of protein sequence and biophysical properties (such as structural, functional, and spatial information, amino acid conservation, physicochemical variation, residue mobility, and thermodynamic stability) indicates that this missense variant is not expected to disrupt SH3TC2 protein function with a negative predictive value of 95%. In summary, the available evidence is currently insufficient to determine the role of this variant in disease. Therefore, it has been classified as a Variant of Uncertain Significance.

GeneDx
Classification: Uncertain significance. Last evaluated: 2022-07-12. Review status: criteria provided, single submitter. Criteria: GeneDx Variant Classification Process June 2021. Collection method: clinical testing. Allele origin: germline. Affected: yes.
Comment: In silico analysis supports that this missense variant does not alter protein structure/function; In-silico analysis is inconclusive as to whether the variant alters gene splicing. In the absence of RNA/functional studies, the actual effect of this sequence change is unknown.; Has not been previously published as pathogenic or benign to our knowledge